The following is an entry in ClinVar:

NM_012310.5(KIF4A):c.3106G>A (p.Glu1036Lys)

Gene: KIF4A (kinesin family member 4A; plus strand). Cytogenetic location: Xq13.1.
Variant type: single nucleotide variant.
Coding change: c.3106G>A on transcript NM_012310.5 (MANE Select); coding-DNA position 3106, G replaced by A.
Protein change: p.Glu1036Lys; replaces glutamic acid 1036 with lysine.
Molecular consequence: missense variant.
Genome position (GRCh38, 1-based): chrX:70,406,926, G>A. VCF-style: chrX-70406926-G-A. GRCh37 (hg19) VCF-style: chrX-69626776-G-A.
Other names: short protein forms E1036K.
Identifiers: ClinVar variation 2662133 (VCV002662133.1), dbSNP rs1245546980, ClinGen allele CA413476331.

ClinVar aggregate classification (germline): Uncertain significance (1 of 4 stars; one submission).

Submission:

GeneDx
Classification: Uncertain significance. Last evaluated: 2023-04-21. Review status: criteria provided, single submitter. Criteria: GeneDx Variant Classification Process June 2021. Collection method: clinical testing. Allele origin: germline. Affected: yes.
Comment: Not observed at significant frequency in large population cohorts (gnomAD); In silico analysis supports that this missense variant does not alter protein structure/function; Has not been previously published as pathogenic or benign to our knowledge